The following is an entry in ClinVar:

NM_001374736.1(DST):c.18699C>T (p.Ala6233=)

Gene: DST (dystonin; minus strand). Cytogenetic location: 6p12.1.
Variant type: single nucleotide variant.
Coding change: c.18699C>T on transcript NM_001374736.1 (MANE Select); coding-DNA position 18699, C replaced by T.
Protein change: p.Ala6233=; no amino-acid change (alanine 6233 retained).
Molecular consequence: synonymous variant.
Genome position (GRCh38, 1-based): chr6:56,511,278, G>A on the plus strand (C>T on the coding strand, the complement: DST is on the minus strand). VCF-style: chr6-56511278-G-A. GRCh37 (hg19) VCF-style: chr6-56376076-G-A.
Other names: c.12342C>T, p.Ala4114= (NM_001144769.5); c.11928C>T, p.Ala3976= (NM_001144770.2); c.18699C>T, p.Ala6233= (NM_001374722.1); c.17739C>T, p.Ala5913= (NM_001374729.1); c.11481C>T, p.Ala3827= (NM_001374730.1); c.18726C>T, p.Ala6242= (NM_001374734.1); c.11808C>T, p.Ala3936= (NM_001386100.1, NM_183380.4); c.10830C>T, p.Ala3610= (NM_015548.5).
Identifiers: ClinVar variation 795835 (VCV000795835.31), dbSNP rs373689917, ClinGen allele CA3867170.

ClinVar aggregate classification (germline): Likely benign. Review status: criteria provided, multiple submitters, no conflicts (2 of 4 stars). 3 submissions from 3 submitters: Likely benign (2). 1 of the submissions does not count toward it. Last evaluated 2025-12-20.

Conditions:
Hereditary sensory and autonomic neuropathy type 6. Also called: HSAN VI; Neuropathy, hereditary sensory and autonomic, type VI. Identifiers: Orphanet 314381, MedGen C3539003, MONDO:0013839, OMIM 614653.
Epidermolysis bullosa simplex 3, localized or generalized intermediate, with BP230 deficiency (EBS3). Also called: Epidermolysis bullosa simplex, autosomal recessive 2; Epidermolysis bullosa simplex due to BP230 deficiency. Identifiers: Orphanet 412181, MedGen C3809470, MONDO:0014180, OMIM 615425.
DST-related disorder. Also called: DST-related condition; DST-related disorders.

Allele frequency attached by ClinVar (database versions not stated): 1000 Genomes Project 30x 0.00016; gnomAD 0.00023 and 0.00021; gnomAD exomes 0.00024 and 0.00033; ExAC 0.00058; TOPMed 0.00019; ESP Exome Variant Server 0.00042.
gnomAD v4.1: 493 of 1,602,000 alleles (0.031%); highest among the groups gnomAD compares: Non-Finnish European, 0.041%; 1 homozygote.

Submissions (3):

Labcorp Genetics (formerly Invitae), Labcorp
Classification: Likely benign for Epidermolysis bullosa simplex 3, localized or generalized intermediate, with BP230 deficiency; Hereditary sensory and autonomic neuropathy type 6. Last evaluated: 2025-12-20. Review status: criteria provided, single submitter. Criteria: Invitae Variant Classification Sherloc (09022015). Collection method: clinical testing. Allele origin: germline.

CeGaT Center for Human Genetics Tuebingen
Classification: Likely benign. Last evaluated: 2024-05-01. Review status: criteria provided, single submitter. Criteria: CeGaT Center For Human Genetics Tuebingen Variant Classification Criteria Version 2. Collection method: clinical testing. Allele origin: germline. Affected: yes. Observed: 1 variant allele.
Comment: DST: BP4, BP7

PreventionGenetics, part of Exact Sciences
Classification: Likely benign for DST-related condition. Last evaluated: 2023-12-19. Review status: no assertion criteria provided. Collection method: clinical testing. Allele origin: germline. Not counted in ClinVar's aggregate classification.
Comment: This variant is classified as likely benign based on ACMG/AMP sequence variant interpretation guidelines (Richards et al. 2015 PMID: 25741868, with internal and published modifications).